The following is an entry in ClinVar:

ClinVar aggregate classification (germline): Uncertain significance (1 of 4 stars; one submission).

Allele frequency attached by ClinVar (database versions not stated): gnomAD exomes below 0.00001; TOPMed below 0.00001.
gnomAD v4.1: 4 of 1,614,094 alleles (0.00025%); highest among the groups gnomAD compares: Non-Finnish European, 0.00034%; no homozygotes.

Submission:

Centre of Medical Genetics, University Hospital Muenster
Classification: Uncertain significance. Last evaluated: 2021-12-09. Review status: criteria provided, single submitter. Criteria: ACMG Guidelines, 2015. Collection method: clinical testing. Allele origin: unknown. Affected: yes. Observed: 1 variant allele, 1 heterozygote.
Comment: ACMG categories: PM1,PM2

NM_004371.4(COPA):c.1663A>G (p.Thr555Ala)

Gene: COPA (coat protein complex I subunit alpha; minus strand). Cytogenetic location: 1q23.2.
Variant type: single nucleotide variant.
Coding change: c.1663A>G on transcript NM_004371.4 (MANE Select); coding-DNA position 1663, A replaced by G.
Protein change: p.Thr555Ala; replaces threonine 555 with alanine.
Molecular consequence: missense variant.
Genome position (GRCh38, 1-based): chr1:160,305,437, T>C on the plus strand (A>G on the coding strand, the complement: COPA is on the minus strand). VCF-style: chr1-160305437-T-C. GRCh37 (hg19) VCF-style: chr1-160275227-T-C.
Other names: c.1690A>G, p.Thr564Ala (NM_001098398.2); short protein forms T555A, T564A.
Identifiers: ClinVar variation 1708437 (VCV001708437.3), dbSNP rs1658751391, ClinGen allele CA343253595.